The following is an entry in ClinVar:

ClinVar aggregate classification (germline): Uncertain significance (1 of 4 stars; one submission).

Allele frequency attached by ClinVar (database versions not stated): TOPMed below 0.00001; ExAC 0.00001; gnomAD 0.00001; gnomAD exomes 0.00001.
gnomAD v4.1: 16 of 1,610,682 alleles (0.00099%); highest among the groups gnomAD compares: Non-Finnish European, 0.001%; no homozygotes.

Submission:

Labcorp Genetics (formerly Invitae), Labcorp
Classification: Uncertain significance. Last evaluated: 2023-02-24. Review status: criteria provided, single submitter. Criteria: Invitae Variant Classification Sherloc (09022015). Collection method: clinical testing. Allele origin: germline.
Comment: In summary, the available evidence is currently insufficient to determine the role of this variant in disease. Therefore, it has been classified as a Variant of Uncertain Significance. Variants that disrupt the consensus splice site are a relatively common cause of aberrant splicing (PMID: 17576681, 9536098). Algorithms developed to predict the effect of sequence changes on RNA splicing suggest that this variant is not likely to affect RNA splicing. This variant has not been reported in the literature in individuals affected with BPTF-related conditions. This variant is present in population databases (rs781887579, gnomAD 0.002%). This sequence change falls in intron 27 of the BPTF gene. It does not directly change the encoded amino acid sequence of the BPTF protein. It affects a nucleotide within the consensus splice site.

Literature cited by the submitters: PubMed 17576681; PubMed 9536098.

NM_182641.4(BPTF):c.8455-3T>C

Gene: BPTF (bromodomain PHD finger transcription factor; plus strand). Cytogenetic location: 17q24.2.
Variant type: single nucleotide variant.
Coding change: c.8455-3T>C on transcript NM_182641.4 (MANE Select); 3 bases into the intron before coding-DNA position 8455, T replaced by C.
Molecular consequence: intron variant.
Genome position (GRCh38, 1-based): chr17:67,966,569, T>C. VCF-style: chr17-67966569-T-C. GRCh37 (hg19) VCF-style: chr17-65962685-T-C.
Other names: c.8404-3T>C (NM_004459.7).
Identifiers: ClinVar variation 2915646 (VCV002915646.3), dbSNP rs781887579, ClinGen allele CA8726605.